The following is an entry in ClinVar:

ClinVar aggregate classification (germline): Uncertain significance (1 of 4 stars; one submission).

gnomAD v4.1: 10 of 1,613,936 alleles (0.00062%); highest among the groups gnomAD compares: Non-Finnish European, 0.00076%; no homozygotes.

Submission:

Labcorp Genetics (formerly Invitae), Labcorp
Classification: Uncertain significance. Last evaluated: 2025-09-21. Review status: criteria provided, single submitter. Criteria: Invitae Variant Classification Sherloc (09022015). Collection method: clinical testing. Allele origin: germline.
Comment: This sequence change replaces aspartic acid, which is acidic and polar, with histidine, which is basic and polar, at codon 195 of the SGMS2 protein (p.Asp195His). This variant is not present in population databases (gnomAD no frequency). This variant has not been reported in the literature in individuals affected with SGMS2-related conditions. Invitae Evidence Modeling of protein sequence and biophysical properties (such as structural, functional, and spatial information, amino acid conservation, physicochemical variation, residue mobility, and thermodynamic stability) indicates that this missense variant is not expected to disrupt SGMS2 protein function with a negative predictive value of 80%. In summary, the available evidence is currently insufficient to determine the role of this variant in disease. Therefore, it has been classified as a Variant of Uncertain Significance.

NM_001375905.1(SGMS2):c.583G>C (p.Asp195His)

Genes: CYP2U1-AS1 (CYP2U1 and SGMS2 antisense RNA 1; minus strand), SGMS2 (sphingomyelin synthase 2; plus strand). Cytogenetic location: 4q25.
Variant type: single nucleotide variant.
Coding change: c.583G>C on transcript NM_001375905.1 (MANE Select); coding-DNA position 583, G replaced by C.
Protein change: p.Asp195His; replaces aspartic acid 195 with histidine.
Molecular consequence: missense variant.
Genome position (GRCh38, 1-based): chr4:107,903,242, G>C. VCF-style: chr4-107903242-G-C. GRCh37 (hg19) VCF-style: chr4-108824398-G-C.
Other names: c.583G>C, p.Asp195His (NM_001136257.2, NM_001136258.2, NM_001375906.1 and 4 more transcripts); c.64G>C, p.Asp22His (NM_001375911.1); short protein forms D195H, D22H.
Identifiers: ClinVar variation 4770721 (VCV004770721.1).
Genomic context (GRCh38, chr4:107,903,242, plus strand): 5'-ATGATTTTAGCCACTTGTAAATTCCCTTCTTAATCTTCTTGTGTCATTCAGCTCAATGGA[G>C]ACTCTCAGGCAAAAGTTCAACGGATTCTACGATTGATTTCTGGTGGTGGATTGTCCATAA-3'
Protein context (NP_001362834.1, residues 185-205): HFQCAPKLNG[Asp195His]SQAKVQRILR